The following is an entry in ClinVar:

NM_005802.5(TOPORS):c.2482del (p.Ser828fs)

Gene: TOPORS (TOP1 binding arginine/serine rich protein, E3 ubiquitin ligase; minus strand). Cytogenetic location: 9p21.1.
Variant type: Deletion.
Coding change: c.2482del on transcript NM_005802.5 (MANE Select); coding-DNA position 2482, one base deleted (T; older notation c.2482delT).
Protein change: p.Ser828fs; shifts the reading frame from serine 828.
Molecular consequence: frameshift variant.
Genome position (GRCh38, 1-based): chr9:32,542,043, A deleted on the plus strand (T on the coding strand, the reverse complement: TOPORS is on the minus strand). VCF-style (leftmost placement, unchanged base first): chr9-32542042-GA-G. GRCh37 (hg19) VCF-style: chr9-32542040-GA-G.
Other names: c.2287del, p.Ser763fs (NM_001195622.2); short protein forms S828fs, S763fs.
Identifiers: ClinVar variation 2132618 (VCV002132618.4), dbSNP rs2551499709, ClinGen allele CA2580080532.

ClinVar aggregate classification (germline): Likely pathogenic (1 of 4 stars; one submission).

Submission:

Labcorp Genetics (formerly Invitae), Labcorp
Classification: Likely pathogenic. Last evaluated: 2025-09-02. Review status: criteria provided, single submitter. Criteria: Invitae Variant Classification Sherloc (09022015). Collection method: clinical testing. Allele origin: germline.
Comment: This sequence change creates a premature translational stop signal (p.Ser828Leufs*38) in the TOPORS gene. While this is not anticipated to result in nonsense mediated decay, it is expected to disrupt the last 218 amino acid(s) of the TOPORS protein. This variant is not present in population databases (gnomAD no frequency). This premature translational stop signal has been observed in individual(s) with retinitis pigmentosa (internal data). ClinVar contains an entry for this variant (Variation ID: 2132618). This variant is located in a region of the TOPORS protein where a significant number of TOPORS nonsense and frameshift mutations have been reported in association with autosomal dominant retinitis pigmentosa (PMID: 35579903, 17924349, 32531858). In summary, the currently available evidence indicates that the variant is pathogenic, but additional data are needed to prove that conclusively. Therefore, this variant has been classified as Likely Pathogenic.

Literature cited by the submitters: PubMed 35579903; PubMed 17924349; PubMed 32531858.